The following is an entry in ClinVar:

ClinVar aggregate classification (germline): Uncertain significance (1 of 4 stars; one submission).

Conditions:
Telangiectasia, hereditary hemorrhagic, type 5 (HHT5). Identifiers: Orphanet 774, MedGen C3809710, MONDO:0014217, OMIM 615506.

Submission:

Labcorp Genetics (formerly Invitae), Labcorp
Classification: Uncertain significance for Telangiectasia, hereditary hemorrhagic, type 5. Last evaluated: 2026-01-12. Review status: criteria provided, single submitter. Criteria: Invitae Variant Classification Sherloc (09022015). Collection method: clinical testing. Allele origin: germline.
Comment: This sequence change replaces aspartic acid, which is acidic and polar, with tyrosine, which is neutral and polar, at codon 366 of the GDF2 protein (p.Asp366Tyr). This variant is not present in population databases (gnomAD no frequency). This variant has not been reported in the literature in individuals affected with GDF2-related conditions. Invitae Evidence Modeling of protein sequence and biophysical properties (such as structural, functional, and spatial information, amino acid conservation, physicochemical variation, residue mobility, and thermodynamic stability) indicates that this missense variant is not expected to disrupt GDF2 protein function with a negative predictive value of 80%. In summary, the available evidence is currently insufficient to determine the role of this variant in disease. Therefore, it has been classified as a Variant of Uncertain Significance.

NM_016204.4(GDF2):c.1096G>T (p.Asp366Tyr)

Gene: GDF2 (growth differentiation factor 2; plus strand). Cytogenetic location: 10q11.22.
Variant type: single nucleotide variant.
Coding change: c.1096G>T on transcript NM_016204.4 (MANE Select); coding-DNA position 1096, G replaced by T.
Protein change: p.Asp366Tyr; replaces aspartic acid 366 with tyrosine.
Molecular consequence: missense variant.
Genome position (GRCh38, 1-based): chr10:47,325,590, G>T. VCF-style: chr10-47325590-G-T. GRCh37 (hg19) VCF-style: chr10-48413772-C-A.
Other names: short protein forms D366Y.
Identifiers: ClinVar variation 4801131 (VCV004801131.1).